The following is an entry in ClinVar:

ClinVar aggregate classification (germline): Pathogenic (1 of 4 stars; one submission).

Conditions:
Marfan syndrome (MFS). Also called: FBN1-Related Marfan Syndrome; MARFAN SYNDROME, TYPE I; Marfan syndrome type 1; Marfan's syndrome; Marfan syndrome, classic. Identifiers: Orphanet 284963, Orphanet 558, MedGen C0024796, MONDO:0007947, OMIM 154700.
Familial thoracic aortic aneurysm and aortic dissection (TAAD). Also called: Thoracic aortic aneurysms and dissections. Identifiers: Orphanet 91387, MedGen C4707243, MONDO:0019625.

Submission:

Labcorp Genetics (formerly Invitae), Labcorp
Classification: Pathogenic for Marfan syndrome; Familial thoracic aortic aneurysm and aortic dissection. Last evaluated: 2025-09-02. Review status: criteria provided, single submitter. Criteria: Invitae Variant Classification Sherloc (09022015). Collection method: clinical testing. Allele origin: germline.
Comment: This sequence change creates a premature translational stop signal (p.Lys2080Metfs*22) in the FBN1 gene. It is expected to result in an absent or disrupted protein product. Loss-of-function variants in FBN1 are known to be pathogenic (PMID: 17657824, 19293843). This variant is not present in population databases (gnomAD no frequency). This variant has not been reported in the literature in individuals affected with FBN1-related conditions. For these reasons, this variant has been classified as Pathogenic.

Literature cited by the submitters: PubMed 17657824; PubMed 19293843.

NM_000138.5(FBN1):c.6239_6246del (p.Lys2080fs)

Gene: FBN1 (fibrillin 1; minus strand). Cytogenetic location: 15q21.1.
Variant type: Deletion.
Coding change: c.6239_6246del on transcript NM_000138.5 (MANE Select); coding-DNA positions 6239 to 6246, 8 bases deleted (AGCAGGAA; older notation c.6239_6246delAGCAGGAA).
Protein change: p.Lys2080fs; shifts the reading frame from lysine 2080.
Molecular consequence: frameshift variant.
Genome position (GRCh38, 1-based): chr15:48,437,835-48,437,842, TTCCTGCT deleted on the plus strand (AGCAGGAA on the coding strand, the reverse complement: FBN1 is on the minus strand); deleting any 8 consecutive bases within chr15:48,437,835-48,437,843 gives the same sequence; the c. name uses the placement nearest the transcript's 3' end. VCF-style (leftmost placement, unchanged base first): chr15-48437834-ATTCCTGCT-A. GRCh37 (hg19) VCF-style: chr15-48730031-ATTCCTGCT-A.
Other names: c.6239_6246del, p.Lys2080fs (NM_001406716.1); short protein forms K2080fs.
Identifiers: ClinVar variation 4786035 (VCV004786035.1).